The following is an entry in ClinVar:

NM_000444.6(PHEX):c.1218T>A (p.Cys406Ter)

Gene: PHEX (phosphate regulating endopeptidase X-linked; plus strand). Cytogenetic location: Xp22.11.
Variant type: single nucleotide variant.
Coding change: c.1218T>A on transcript NM_000444.6 (MANE Select); coding-DNA position 1218, T replaced by A.
Protein change: p.Cys406Ter; replaces cysteine 406 with a stop codon.
Molecular consequence: nonsense.
Genome position (GRCh38, 1-based): chrX:22,114,502, T>A. VCF-style: chrX-22114502-T-A. GRCh37 (hg19) VCF-style: chrX-22132620-T-A.
Other names: c.1218T>A, p.Cys406Ter (NM_001282754.2); short protein forms C406*.
Identifiers: ClinVar variation 488751 (VCV000488751.10), dbSNP rs1416252114, ClinGen allele CA412573392.

ClinVar aggregate classification (germline): Pathogenic. Review status: criteria provided, multiple submitters, no conflicts (2 of 4 stars). 3 submissions from 3 submitters: Pathogenic (3). Last evaluated 2025-10-05.

Conditions:
Familial X-linked hypophosphatemic vitamin D refractory rickets (XLHRD). Also called: X-Linked Hypophosphatemia; Hypophosphatemia, vitamin D-resistant rickets; Vitamin D-resistant rickets, X-linked; HYPOPHOSPHATEMIC VITAMIN D-RESISTANT RICKETS; Hypophosphatemic Rickets, X-Linked Dominant. Identifiers: Orphanet 89936, MedGen C0733682, MONDO:0010619, OMIM 307800.

Submissions (3):

Clinical Biomedical Laboratory, Shriners Hospital For Children - Canada
Classification: Pathogenic for Familial X-linked hypophosphatemic vitamin D refractory rickets. Last evaluated: 2025-10-05. Review status: criteria provided, single submitter. Criteria: ACMG Guidelines, 2015. Collection method: clinical testing. Allele origin: germline. Affected: yes.
Comment: This variant is predicted to substitute a cysteine residue by a premature stop codon. This is expected to lead to degradation of the affected transcript and lead to loss of function of the affected allele. Heterozygous or hemizygous loss-of-function variants in PHEX are an established cause of X-linked hypophosphatemic rickets (PMID 34806794). This variant is absent from the Genome Aggregation Database (v2.1.1).

Labcorp Genetics (formerly Invitae), Labcorp
Classification: Pathogenic. Last evaluated: 2024-04-25. Review status: criteria provided, single submitter. Criteria: Invitae Variant Classification Sherloc (09022015). Collection method: clinical testing. Allele origin: germline.
Comment: This sequence change creates a premature translational stop signal (p.Cys406*) in the PHEX gene. It is expected to result in an absent or disrupted protein product. Loss-of-function variants in PHEX are known to be pathogenic (PMID: 9097956, 9106524, 19219621). This variant is not present in population databases (gnomAD no frequency). This premature translational stop signal has been observed in individual(s) with hypophosphatemia (Invitae). ClinVar contains an entry for this variant (Variation ID: 488751). For these reasons, this variant has been classified as Pathogenic.

GeneDx
Classification: Pathogenic. Last evaluated: 2017-12-15. Review status: criteria provided, single submitter. Criteria: GeneDx Variant Classification (06012015). Collection method: clinical testing. Allele origin: germline. Affected: yes.
Comment: The C406X nonsense variant in the PHEX gene is predicted to cause loss of normal protein function either through protein truncation or nonsense-mediated mRNA decay. The C406X variant is not observed in large population cohorts (Lek et al., 2016).

Literature cited by the submitters: PubMed 34806794 (cited by Clinical Biomedical Laboratory, Shriners Hospital For Children - Canada); PubMed 9097956 (cited by Labcorp Genetics (formerly Invitae), Labcorp); PubMed 9106524 (cited by Labcorp Genetics (formerly Invitae), Labcorp); PubMed 19219621 (cited by Labcorp Genetics (formerly Invitae), Labcorp).